The following is an entry in ClinVar:

ClinVar aggregate classification (germline): Uncertain significance (1 of 4 stars; one submission).

Conditions:
Hereditary cancer-predisposing syndrome. Also called: Neoplastic Syndromes, Hereditary; Tumor predisposition; Hereditary neoplastic syndrome; Hereditary Cancer Syndrome. Identifiers: Orphanet 140162, MedGen C0027672, MeSH D009386, MONDO:0015356.

Allele frequency attached by ClinVar (database versions not stated): gnomAD exomes below 0.00001 and 0.00001.
gnomAD v4.1: 2 of 1,613,200 alleles (0.00012%); highest among the groups gnomAD compares: Admixed American, 0.0033%; no homozygotes.

Submission:

Labcorp Genetics (formerly Invitae), Labcorp
Classification: Uncertain significance for Hereditary cancer-predisposing syndrome. Last evaluated: 2020-11-22. Review status: criteria provided, single submitter. Criteria: Invitae Variant Classification Sherloc (09022015). Collection method: clinical testing. Allele origin: germline.
Comment: This sequence change falls in intron 24 of the RAD50 gene. It does not directly change the encoded amino acid sequence of the RAD50 protein. It affects a nucleotide within the consensus splice site of the intron. This variant is not present in population databases (ExAC no frequency). This variant has not been reported in the literature in individuals with RAD50-related conditions. Nucleotide substitutions within the consensus splice site are a relatively common cause of aberrant splicing (PMID: 17576681, 9536098). Algorithms developed to predict the effect of sequence changes on RNA splicing suggest that this variant may disrupt the consensus splice site, but this prediction has not been confirmed by published transcriptional studies. In summary, the available evidence is currently insufficient to determine the role of this variant in disease. Therefore, it has been classified as a Variant of Uncertain Significance.

Literature cited by the submitters: PubMed 17576681; PubMed 9536098.

NM_005732.4(RAD50):c.3752+5G>T

Genes: TH2-LCR (Th2 cytokine locus control region; plus strand), TH2LCRR (T helper type 2 locus control region associated RNA; minus strand), RAD50 (RAD50 double strand break repair protein; plus strand). Cytogenetic location: 5q31.1.
Variant type: single nucleotide variant.
Coding change: c.3752+5G>T on transcript NM_005732.4 (MANE Select); 5 bases into the intron after coding-DNA position 3752, G replaced by T.
Molecular consequence: intron variant.
Genome position (GRCh38, 1-based): chr5:132,640,810, G>T. VCF-style: chr5-132640810-G-T. GRCh37 (hg19) VCF-style: chr5-131976502-G-T.
Identifiers: ClinVar variation 1354350 (VCV001354350.6), dbSNP rs1243458192, ClinGen allele CA562769913.
Genomic context (GRCh38, chr5:132,640,810, plus strand): 5'-CCAACAACAAATCTTGACCGAGAAAACATTGAATCTCTTGCACATGCTCTGGTTGAGTAA[G>T]TATCTCTTGCACATGCTCTGGTTGAGTAAGTATCTCACATTTGGGGACAGGTTGTGATAG-3'